The following is an entry in ClinVar:

ClinVar aggregate classification (germline): Uncertain significance (1 of 4 stars; one submission).

Submission:

Ambry Genetics
Classification: Uncertain significance. Last evaluated: 2023-12-22. Review status: criteria provided, single submitter. Criteria: Ambry Variant Classification Scheme 2023. Collection method: clinical testing. Allele origin: germline.
Comment: The p.H1722Y variant (also known as c.5164C>T), located in coding exon 4 of the ALPK2 gene, results from a C to T substitution at nucleotide position 5164. The histidine at codon 1722 is replaced by tyrosine, an amino acid with similar properties. This amino acid position is conserved. In addition, this alteration is predicted to be tolerated by in silico analysis. Since supporting evidence is limited at this time, the clinical significance of this alteration remains unclear.

NM_052947.4(ALPK2):c.5164C>T (p.His1722Tyr)

Genes: ALPK2 (alpha kinase 2; minus strand), LOC130062577 (ATAC-STARR-seq lymphoblastoid active region 13389; plus strand). Cytogenetic location: 18q21.31.
Variant type: single nucleotide variant.
Coding change: c.5164C>T on transcript NM_052947.4 (MANE Select); coding-DNA position 5164, C replaced by T.
Protein change: p.His1722Tyr; replaces histidine 1722 with tyrosine.
Molecular consequence: missense variant.
Genome position (GRCh38, 1-based): chr18:58,535,023, G>A on the plus strand (C>T on the coding strand, the complement: ALPK2 is on the minus strand). VCF-style: chr18-58535023-G-A. GRCh37 (hg19) VCF-style: chr18-56202255-G-A.
Other names: short protein forms H1722Y.
Identifiers: ClinVar variation 1745744 (VCV001745744.2), dbSNP rs2518873369, ClinGen allele CA402557765.